The following is an entry in ClinVar:

ClinVar aggregate classification (germline): Likely benign. Review status: criteria provided, multiple submitters, no conflicts (2 of 4 stars). 3 submissions from 3 submitters: Likely benign (2). 1 of the submissions does not count toward it. Last evaluated 2025-12-16.

Conditions:
NPC1-related disorder. Also called: NPC1-related condition.
Niemann-Pick disease, type C1. Also called: NEUROVISCERAL STORAGE DISEASE WITH VERTICAL SUPRANUCLEAR OPHTHALMOPLEGIA; NIEMANN-PICK DISEASE WITH CHOLESTEROL ESTERIFICATION BLOCK; NIEMANN-PICK DISEASE WITHOUT SPHINGOMYELINASE DEFICIENCY; NIEMANN-PICK DISEASE, CHRONIC NEURONOPATHIC FORM; NIEMANN-PICK DISEASE, VARIANT TYPE C1. Identifiers: Orphanet 646, MedGen C3179455, MONDO:0009757, OMIM 257220.
Inborn genetic diseases. Identifiers: MedGen C0950123, MeSH D030342.

Allele frequency attached by ClinVar (database versions not stated): ExAC 0.00003; gnomAD 0.00003; TOPMed 0.00005; gnomAD exomes 0.00007.
gnomAD v4.1: 50 of 1,613,884 alleles (0.0031%); highest among the groups gnomAD compares: Admixed American, 0.027%; no homozygotes.

Submissions (3):

Labcorp Genetics (formerly Invitae), Labcorp
Classification: Likely benign for Niemann-Pick disease, type C1. Last evaluated: 2025-12-16. Review status: criteria provided, single submitter. Criteria: Invitae Variant Classification Sherloc (09022015). Collection method: clinical testing. Allele origin: germline.

Ambry Genetics
Classification: Likely benign for Inborn genetic diseases. Last evaluated: 2023-04-28. Review status: criteria provided, single submitter. Criteria: Ambry Variant Classification Scheme 2023. Collection method: clinical testing. Allele origin: germline.

PreventionGenetics, part of Exact Sciences
Classification: Likely benign for NPC1-related condition. Last evaluated: 2019-02-22. Review status: no assertion criteria provided. Collection method: clinical testing. Allele origin: germline. Not counted in ClinVar's aggregate classification.
Comment: This variant is classified as likely benign based on ACMG/AMP sequence variant interpretation guidelines (Richards et al. 2015 PMID: 25741868, with internal and published modifications).

NM_000271.5(NPC1):c.963G>A (p.Ala321=)

Gene: NPC1 (NPC intracellular cholesterol transporter 1; minus strand). Cytogenetic location: 18q11.2.
Variant type: single nucleotide variant.
Coding change: c.963G>A on transcript NM_000271.5 (MANE Select); coding-DNA position 963, G replaced by A.
Protein change: p.Ala321=; no amino-acid change (alanine 321 retained).
Molecular consequence: synonymous variant.
Genome position (GRCh38, 1-based): chr18:23,556,606, C>T on the plus strand (G>A on the coding strand, the complement: NPC1 is on the minus strand). VCF-style: chr18-23556606-C-T. GRCh37 (hg19) VCF-style: chr18-21136570-C-T.
Identifiers: ClinVar variation 724838 (VCV000724838.14), dbSNP rs763990769, ClinGen allele CA8913563.